The following is an entry in ClinVar:

ClinVar aggregate classification (germline): Benign/Likely benign. Review status: criteria provided, multiple submitters, no conflicts (2 of 4 stars). 4 submissions from 4 submitters: Benign (1); Likely benign (3). Last evaluated 2024-05-13.

Conditions:
Ataxia-telangiectasia syndrome (AT). Also called: ATAXIA-TELANGIECTASIA, COMPLEMENTATION GROUP A; ATAXIA-TELANGIECTASIA, FRESNO VARIANT; Ataxia-telangiectasia; Ataxia-telangiectasia, complementation group D; AT, COMPLEMENTATION GROUP C; Ataxia-telangiectasia, complementation group E. Identifiers: Orphanet 100, MedGen C0004135, MONDO:0008840, OMIM 208900.
Hereditary cancer-predisposing syndrome. Also called: Neoplastic Syndromes, Hereditary; Tumor predisposition; Hereditary Cancer Syndrome; Hereditary neoplastic syndrome. Identifiers: Orphanet 140162, MedGen C0027672, MeSH D009386, MONDO:0015356.
Familial cancer of breast. Also called: hereditary breast carcinoma; BREAST CANCER, FAMILIAL; Hereditary breast cancer. Identifiers: Orphanet 227535, MedGen C0346153, MONDO:0016419, OMIM 114480. Disease mechanism: loss of function.

Allele frequency attached by ClinVar (database versions not stated): gnomAD exomes 0.00001.
gnomAD v4.1: 18 of 1,610,974 alleles (0.0011%); highest among the groups gnomAD compares: Non-Finnish European, 0.0014%; no homozygotes.

Submissions (4):

Myriad Genetics, Inc.
Classification: Benign for Familial cancer of breast. Last evaluated: 2024-05-13. Review status: criteria provided, single submitter. Criteria: Myriad Autosomal Dominant, Autosomal Recessive and X-Linked Classification Criteria (2023). Collection method: clinical testing. Allele origin: unknown.
Comment: This variant is considered benign. This variant is a silent/synonymous amino acid change and it is not expected to impact splicing.

Labcorp Genetics (formerly Invitae), Labcorp
Classification: Likely benign for Ataxia-telangiectasia syndrome. Last evaluated: 2024-03-21. Review status: criteria provided, single submitter. Criteria: Invitae Variant Classification Sherloc (09022015). Collection method: clinical testing. Allele origin: germline.

Color Diagnostics, LLC DBA Color Health
Classification: Likely benign for Hereditary cancer-predisposing syndrome. Last evaluated: 2020-09-14. Review status: criteria provided, single submitter. Criteria: ACMG Guidelines, 2015. Collection method: clinical testing. Allele origin: germline.

Ambry Genetics
Classification: Likely benign for Hereditary cancer-predisposing syndrome. Last evaluated: 2020-07-21. Review status: criteria provided, single submitter. Criteria: Ambry Variant Classification Scheme 2023. Collection method: clinical testing. Allele origin: germline.

NM_000051.4(ATM):c.3081T>C (p.His1027=)

Gene: ATM (ATM serine/threonine kinase; plus strand). Cytogenetic location: 11q22.3.
Variant type: single nucleotide variant.
Coding change: c.3081T>C on transcript NM_000051.4 (MANE Select); coding-DNA position 3081, T replaced by C.
Protein change: p.His1027=; no amino-acid change (histidine 1027 retained).
Molecular consequence: synonymous variant.
Genome position (GRCh38, 1-based): chr11:108,272,535, T>C. VCF-style: chr11-108272535-T-C. GRCh37 (hg19) VCF-style: chr11-108143262-T-C.
Other names: c.3081T>C, p.His1027= (NM_001351834.2).
Identifiers: ClinVar variation 524439 (VCV000524439.16), dbSNP rs864622587, ClinGen allele CA476744735.